The following is an entry in ClinVar:

ClinVar aggregate classification (germline): Uncertain significance (1 of 4 stars; one submission).

Conditions:
Hereditary cancer-predisposing syndrome. Also called: Neoplastic Syndromes, Hereditary; Hereditary Cancer Syndrome; Hereditary neoplastic syndrome; Tumor predisposition. Identifiers: Orphanet 140162, MedGen C0027672, MeSH D009386, MONDO:0015356.

Allele frequency attached by ClinVar (database versions not stated): gnomAD exomes below 0.00001.
gnomAD v4.1: 1 of 1,613,974 alleles (0.000062%); highest among the groups gnomAD compares: Non-Finnish European, 0.000085%; no homozygotes.

Submission:

Ambry Genetics
Classification: Uncertain significance for Hereditary cancer-predisposing syndrome. Last evaluated: 2023-03-15. Review status: criteria provided, single submitter. Criteria: Ambry Variant Classification Scheme 2023. Collection method: clinical testing. Allele origin: germline.
Comment: The p.I987S variant (also known as c.2960T>G), located in coding exon 21 of the MSH3 gene, results from a T to G substitution at nucleotide position 2960. The isoleucine at codon 987 is replaced by serine, an amino acid with dissimilar properties. This amino acid position is conserved. In addition, this alteration is predicted to be deleterious by in silico analysis. Since supporting evidence is limited at this time, the clinical significance of this alteration remains unclear.

NM_002439.5(MSH3):c.2960T>G (p.Ile987Ser)

Gene: MSH3 (mutS homolog 3; plus strand). Cytogenetic location: 5q14.1.
Variant type: single nucleotide variant.
Coding change: c.2960T>G on transcript NM_002439.5 (MANE Select); coding-DNA position 2960, T replaced by G.
Protein change: p.Ile987Ser; replaces isoleucine 987 with serine.
Molecular consequence: missense variant.
Genome position (GRCh38, 1-based): chr5:80,854,276, T>G. VCF-style: chr5-80854276-T-G. GRCh37 (hg19) VCF-style: chr5-80150095-T-G.
Other names: short protein forms I987S.
Identifiers: ClinVar variation 2562140 (VCV002562140.2), dbSNP rs2112106600, ClinGen allele CA360275780.